The following is an entry in ClinVar:

ClinVar aggregate classification (germline): Benign/Likely benign. Review status: criteria provided, multiple submitters, no conflicts (2 of 4 stars). 2 submissions from 2 submitters: Benign (1); Likely benign (1). Last evaluated 2026-09-01.

Allele frequency attached by ClinVar (database versions not stated): ExAC 0.00001; gnomAD 0.00001; TOPMed 0.00001.
gnomAD v4.1: 5 of 1,614,004 alleles (0.00031%); highest among the groups gnomAD compares: Admixed American, 0.0067%; no homozygotes.

Submissions (2):

CeGaT Center for Human Genetics Tuebingen
Classification: Likely benign. Last evaluated: 2026-09-01. Review status: criteria provided, single submitter. Criteria: CeGaT Center For Human Genetics Tuebingen Variant Classification Criteria Version 2. Collection method: clinical testing. Allele origin: germline. Affected: yes. Observed: 1 variant allele.
Comment: ZBTB18: BP4

Labcorp Genetics (formerly Invitae), Labcorp
Classification: Benign. Last evaluated: 2025-05-21. Review status: criteria provided, single submitter. Criteria: Invitae Variant Classification Sherloc (09022015). Collection method: clinical testing. Allele origin: germline.

NM_205768.3(ZBTB18):c.1046C>T (p.Pro349Leu)

Gene: ZBTB18 (zinc finger and BTB domain containing 18; plus strand). Cytogenetic location: 1q44.
Variant type: single nucleotide variant.
Coding change: c.1046C>T on transcript NM_205768.3 (MANE Select); coding-DNA position 1046, C replaced by T.
Protein change: p.Pro349Leu; replaces proline 349 with leucine.
Molecular consequence: missense variant. On other transcripts: 3 prime UTR variant (1).
Genome position (GRCh38, 1-based): chr1:244,054,820, C>T. VCF-style: chr1-244054820-C-T. GRCh37 (hg19) VCF-style: chr1-244218122-C-T.
Other names: c.1019C>T, p.Pro340Leu (NM_001278196.2, NM_006352.5); c.*223C>T (NM_001421566.1); short protein forms P340L, P349L.
Identifiers: ClinVar variation 2782724 (VCV002782724.4), dbSNP rs760400046, ClinGen allele CA1484383.